The following is an entry in ClinVar:

ClinVar aggregate classification (germline): Likely benign (1 of 4 stars; one submission).

Conditions:
SEMA3E-related disorder. Also called: SEMA3E-related condition.

Submission:

PreventionGenetics, part of Exact Sciences
Classification: Likely benign for SEMA3E-related condition. Last evaluated: 2025-08-12. Review status: criteria provided, single submitter. Criteria: ACMG Guidelines, 2015. Collection method: clinical testing. Allele origin: germline.
Comment: This variant is classified as likely benign based on ACMG/AMP sequence variant interpretation guidelines (Richards et al. 2015 PMID: 25741868, with internal and published modifications).

NM_012431.3(SEMA3E):c.300A>G (p.Leu100=)

Gene: SEMA3E (semaphorin 3E; minus strand). Cytogenetic location: 7q21.11.
Variant type: single nucleotide variant.
Coding change: c.300A>G on transcript NM_012431.3 (MANE Select); coding-DNA position 300, A replaced by G.
Protein change: p.Leu100=; no amino-acid change (leucine 100 retained).
Molecular consequence: synonymous variant.
Genome position (GRCh38, 1-based): chr7:83,469,279, T>C on the plus strand (A>G on the coding strand, the complement: SEMA3E is on the minus strand). VCF-style: chr7-83469279-T-C. GRCh37 (hg19) VCF-style: chr7-83098595-T-C.
Other names: c.120A>G, p.Leu40= (NM_001178129.2).
Identifiers: ClinVar variation 4977150 (VCV004977150.1).